The following is an entry in ClinVar:

NM_173728.4(ARHGEF15):c.317G>T (p.Arg106Leu)

Gene: ARHGEF15 (Rho guanine nucleotide exchange factor 15; plus strand). Cytogenetic location: 17p13.1.
Variant type: single nucleotide variant.
Coding change: c.317G>T on transcript NM_173728.4 (MANE Select); coding-DNA position 317, G replaced by T.
Protein change: p.Arg106Leu; replaces arginine 106 with leucine.
Molecular consequence: missense variant.
Genome position (GRCh38, 1-based): chr17:8,312,356, G>T. VCF-style: chr17-8312356-G-T. GRCh37 (hg19) VCF-style: chr17-8215674-G-T.
Other names: c.317G>T, p.Arg106Leu (NM_025014.2); short protein forms R106L.
Identifiers: ClinVar variation 853748 (VCV000853748.10), dbSNP rs146482304, ClinGen allele CA8374829.

ClinVar aggregate classification (germline): Uncertain significance (1 of 4 stars; one submission).

Conditions:
Early-infantile DEE. Also called: Ohtahara syndrome; Early infantile epileptic encephalopathy with suppression bursts; Early infantile epileptic encephalopathy. Identifiers: Orphanet 1934, MedGen C0393706, MONDO:0800491.

Allele frequency attached by ClinVar (database versions not stated): gnomAD exomes 0.00003; ExAC 0.00004; gnomAD 0.00005; TOPMed 0.00005; ESP Exome Variant Server 0.00008.

Submission:

Labcorp Genetics (formerly Invitae), Labcorp
Classification: Uncertain significance for Early-infantile DEE. Last evaluated: 2025-07-28. Review status: criteria provided, single submitter. Criteria: Invitae Variant Classification Sherloc (09022015). Collection method: clinical testing. Allele origin: germline.
Comment: This sequence change replaces arginine, which is basic and polar, with leucine, which is neutral and non-polar, at codon 106 of the ARHGEF15 protein (p.Arg106Leu). This variant is present in population databases (rs146482304, gnomAD 0.01%). This variant has not been reported in the literature in individuals affected with ARHGEF15-related conditions. ClinVar contains an entry for this variant (Variation ID: 853748). An algorithm developed to predict the effect of missense changes on protein structure and function (PolyPhen-2) suggests that this variant is likely to be disruptive. In summary, the available evidence is currently insufficient to determine the role of this variant in disease. Therefore, it has been classified as a Variant of Uncertain Significance.